The following is an entry in ClinVar:

ClinVar aggregate classification (germline): Uncertain significance (1 of 4 stars; one submission).

gnomAD v4.1: 2 of 1,614,108 alleles (0.00012%); highest among the groups gnomAD compares: Non-Finnish European, 0.000085%; no homozygotes.

Submission:

CeGaT Center for Human Genetics Tuebingen
Classification: Uncertain significance. Last evaluated: 2024-10-01. Review status: criteria provided, single submitter. Criteria: CeGaT Center For Human Genetics Tuebingen Variant Classification Criteria Version 2. Collection method: clinical testing. Allele origin: germline. Affected: yes. Observed: 1 variant allele.
Comment: ALS2: PM2

NM_020919.4(ALS2):c.2341A>G (p.Ser781Gly)

Gene: ALS2 (alsin Rho guanine nucleotide exchange factor ALS2; minus strand). Cytogenetic location: 2q33.1.
Variant type: single nucleotide variant.
Coding change: c.2341A>G on transcript NM_020919.4 (MANE Select); coding-DNA position 2341, A replaced by G.
Protein change: p.Ser781Gly; replaces serine 781 with glycine.
Molecular consequence: missense variant.
Genome position (GRCh38, 1-based): chr2:201,741,684, T>C on the plus strand (A>G on the coding strand, the complement: ALS2 is on the minus strand). VCF-style: chr2-201741684-T-C. GRCh37 (hg19) VCF-style: chr2-202606407-T-C.
Other names: c.2341A>G, p.Ser781Gly (NM_001410975.1); short protein forms S781G.
Identifiers: ClinVar variation 3389887 (VCV003389887.14).
Genomic context (GRCh38, chr2:201,741,684, plus strand): 5'-GGCAGAATAACCCTGCAGAGATTGAACATGACACGGGACTGGATACTTGCTCTGTATAAC[T>C]ATCCAAGAAGAGACTTGAATGCTTCAGGATGACCAAACTCCTGGCTTCCTTTACCCCATG-3'
Protein context (NP_065970.2, residues 771-791): ILKHSSLFLD[Ser781Gly]YTEYCTSITN